The following is an entry in ClinVar:

NM_001378743.1(CYLD):c.1094C>A (p.Ser365Ter)

Gene: CYLD (CYLD lysine 63 deubiquitinase; plus strand). Cytogenetic location: 16q12.1.
Variant type: single nucleotide variant.
Coding change: c.1094C>A on transcript NM_001378743.1 (MANE Select); coding-DNA position 1094, C replaced by A.
Protein change: p.Ser365Ter; replaces serine 365 with a stop codon.
Molecular consequence: nonsense. On other transcripts: non-coding transcript variant (1).
Genome position (GRCh38, 1-based): chr16:50,777,897, C>A. VCF-style: chr16-50777897-C-A. GRCh37 (hg19) VCF-style: chr16-50811808-C-A.
Other names: c.1085C>A, p.Ser362Ter (NM_001378748.1, NM_001378749.1, NM_001378750.1 and 9 more transcripts); c.419C>A, p.Ser140Ter (NM_001378754.1, NM_001378755.1); c.1094C>A, p.Ser365Ter (NM_015247.3); short protein forms S365*, S140*, S362*.
Identifiers: ClinVar variation 3655472 (VCV003655472.2).

ClinVar aggregate classification (germline): Pathogenic (1 of 4 stars; one submission).

Submission:

Labcorp Genetics (formerly Invitae), Labcorp
Classification: Pathogenic. Last evaluated: 2024-06-04. Review status: criteria provided, single submitter. Criteria: Invitae Variant Classification Sherloc (09022015). Collection method: clinical testing. Allele origin: germline.
Comment: This sequence change creates a premature translational stop signal (p.Ser365*) in the CYLD gene. It is expected to result in an absent or disrupted protein product. Loss-of-function variants in CYLD are known to be pathogenic (PMID: 19462465). This variant is not present in population databases (gnomAD no frequency). This variant has not been reported in the literature in individuals affected with CYLD-related conditions. For these reasons, this variant has been classified as Pathogenic.

Literature cited by the submitters: PubMed 19462465.